The following is an entry in ClinVar:

ClinVar aggregate classification (germline): Pathogenic (1 of 4 stars; one submission).

Conditions:
Marfan syndrome (MFS). Also called: FBN1-Related Marfan Syndrome; MARFAN SYNDROME, TYPE I; Marfan syndrome type 1; Marfan's syndrome; Marfan syndrome, classic. Identifiers: Orphanet 284963, Orphanet 558, MedGen C0024796, MONDO:0007947, OMIM 154700.

Submission:

Variantyx, Inc.
Classification: Pathogenic for Marfan syndrome. Last evaluated: 2025-03-01. Review status: criteria provided, single submitter. Criteria: Variantyx Assertion Criteria 2022. Collection method: clinical testing. Allele origin: de novo. Inheritance: Autosomal dominant inheritance. Affected: yes.
Comment: This is a nonsense variant in the FBN1 gene (OMIM: 134797). Pathogenic variants in this gene have been associated with autosomal dominant Marfan syndrome. The alteration introduces a premature termination codon in exon 34 out of 64 and is expected to result in loss of function, which is a known disease mechanism for FBN1 in this disorder (PMID: 17701892, 30286810, 21063442) (PVS1). This variant is absent from control populations (PM2). Inter- and intrafamilial clinical variability has been described for autosomal dominant Marfan syndrome (PMID: 20301510). This variant has not been reported in individuals with FBN1-related disorders in the databases available for review. Based on the current evidence, this variant is classified as pathogenic for autosomal dominant Marfan syndrome.

Literature cited by the submitters: PubMed 17701892; PubMed 30286810; PubMed 21063442; PubMed 20301510.

NM_000138.5(FBN1):c.4185C>A (p.Tyr1395Ter)

Gene: FBN1 (fibrillin 1; minus strand). Cytogenetic location: 15q21.1.
Variant type: single nucleotide variant.
Coding change: c.4185C>A on transcript NM_000138.5 (MANE Select); coding-DNA position 4185, C replaced by A.
Protein change: p.Tyr1395Ter; replaces tyrosine 1395 with a stop codon.
Molecular consequence: nonsense.
Genome position (GRCh38, 1-based): chr15:48,474,280, G>T on the plus strand (C>A on the coding strand, the complement: FBN1 is on the minus strand). VCF-style: chr15-48474280-G-T. GRCh37 (hg19) VCF-style: chr15-48766477-G-T.
Other names: c.4185C>A, p.Tyr1395Ter (NM_001406716.1); short protein forms Y1395*.
Identifiers: ClinVar variation 4849995 (VCV004849995.1).